The following is an entry in ClinVar:

NM_201384.3(PLEC):c.9755C>T (p.Thr3252Met)

Gene: PLEC (plectin; minus strand). Cytogenetic location: 8q24.3.
Variant type: single nucleotide variant.
Coding change: c.9755C>T on transcript NM_201384.3 (MANE Select); coding-DNA position 9755, C replaced by T.
Protein change: p.Thr3252Met; replaces threonine 3252 with methionine.
Molecular consequence: missense variant.
Genome position (GRCh38, 1-based): chr8:143,920,066, G>A on the plus strand (C>T on the coding strand, the complement: PLEC is on the minus strand). VCF-style: chr8-143920066-G-A. GRCh37 (hg19) VCF-style: chr8-144994234-G-A.
Other names: c.9836C>T, p.Thr3279Met (NM_000445.5); c.9713C>T, p.Thr3238Met (NM_201378.4); c.9689C>T, p.Thr3230Met (NM_201379.3); c.10166C>T, p.Thr3389Met (NM_201380.4); c.9659C>T, p.Thr3220Met (NM_201381.3); c.9755C>T, p.Thr3252Met (NM_201382.4); c.9767C>T, p.Thr3256Met (NM_201383.3); short protein forms T3220M, T3230M, T3238M, T3252M, T3256M, T3279M, T3389M.
Identifiers: ClinVar variation 448083 (VCV000448083.12), dbSNP rs781828296, ClinGen allele CA4924864.

ClinVar aggregate classification (germline): Uncertain significance. Review status: criteria provided, multiple submitters, no conflicts (2 of 4 stars). 3 submissions from 3 submitters: Uncertain significance (3). Last evaluated 2025-06-24.

Conditions:
Epidermolysis bullosa simplex 5B, with muscular dystrophy (EBS5B). Also called: EPIDERMOLYSIS BULLOSA SIMPLEX AND LIMB-GIRDLE MUSCULAR DYSTROPHY; Epidermolysis bullosa simplex with muscular dystrophy. Identifiers: Orphanet 257, MedGen C2931072, MONDO:0009181, OMIM 226670.
Epidermolysis bullosa simplex, Ogna type (EBS5A). Also called: EPIDERMOLYSIS BULLOSA SIMPLEX 5A, OGNA TYPE; Pidermolysis bullosa simplex 5A, Ogna type. Identifiers: Orphanet 79401, MedGen C0432317, MONDO:0007555, OMIM 131950.
Epidermolysis bullosa simplex 5C, with pyloric atresia (EBS5C). Also called: PLEC1-Related Epidermolysis Bullosa with Pyloric Atresia; PLEC-Related Epidermolysis Bullosa with Pyloric Atresia; Epidermolysis bullosa simplex with pyloric atresia. Identifiers: Orphanet 158684, MedGen C2677349, MONDO:0012807, OMIM 612138.
Epidermolysis bullosa simplex with nail dystrophy (EBS5D). Identifiers: MedGen C4225309, MONDO:0014661, OMIM 616487.
Autosomal recessive limb-girdle muscular dystrophy type 2Q (LGMDR17). Also called: MUSCULAR DYSTROPHY, LIMB-GIRDLE, AUTOSOMAL RECESSIVE 17. Identifiers: Orphanet 254361, MedGen C3150989, MONDO:0013390, OMIM 613723.
Inborn genetic diseases. Identifiers: MedGen C0950123, MeSH D030342.

Allele frequency attached by ClinVar (database versions not stated): gnomAD 0.00003; gnomAD exomes 0.00003 and 0.00007; TOPMed 0.00005; ExAC 0.00006.
gnomAD v4.1: 48 of 1,613,150 alleles (0.003%); highest among the groups gnomAD compares: East Asian, 0.0067%; no homozygotes.

Submissions (3):

Labcorp Genetics (formerly Invitae), Labcorp
Classification: Uncertain significance for Autosomal recessive limb-girdle muscular dystrophy type 2Q; Epidermolysis bullosa simplex, Ogna type; Epidermolysis bullosa simplex with nail dystrophy; Epidermolysis bullosa simplex 5C, with pyloric atresia; Epidermolysis bullosa simplex 5B, with muscular dystrophy. Last evaluated: 2025-06-24. Review status: criteria provided, single submitter. Criteria: Invitae Variant Classification Sherloc (09022015). Collection method: clinical testing. Allele origin: germline.
Comment: This sequence change replaces threonine, which is neutral and polar, with methionine, which is neutral and non-polar, at codon 3279 of the PLEC protein (p.Thr3279Met). This variant is present in population databases (rs781828296, gnomAD 0.009%). This variant has not been reported in the literature in individuals affected with PLEC-related conditions. ClinVar contains an entry for this variant (Variation ID: 448083). An algorithm developed to predict the effect of missense changes on protein structure and function (PolyPhen-2) suggests that this variant is likely to be disruptive. In summary, the available evidence is currently insufficient to determine the role of this variant in disease. Therefore, it has been classified as a Variant of Uncertain Significance.

Ambry Genetics
Classification: Uncertain significance for Inborn genetic diseases. Last evaluated: 2024-07-16. Review status: criteria provided, single submitter. Criteria: Ambry Variant Classification Scheme 2023. Collection method: clinical testing. Allele origin: germline.

Athena Diagnostics
Classification: Uncertain significance. Last evaluated: 2016-08-29. Review status: criteria provided, single submitter. Criteria: Athena Diagnostics Criteria. Collection method: clinical testing. Allele origin: germline.